The following is an entry in ClinVar:

NM_001271696.3(ABCB7):c.1368C>G (p.Asp456Glu)

Gene: ABCB7 (ATP binding cassette subfamily B member 7; minus strand). Cytogenetic location: Xq13.3.
Variant type: single nucleotide variant.
Coding change: c.1368C>G on transcript NM_001271696.3 (MANE Select); coding-DNA position 1368, C replaced by G.
Protein change: p.Asp456Glu; replaces aspartic acid 456 with glutamic acid.
Molecular consequence: missense variant.
Genome position (GRCh38, 1-based): chrX:75,069,452, G>C on the plus strand (C>G on the coding strand, the complement: ABCB7 is on the minus strand). VCF-style: chrX-75069452-G-C. GRCh37 (hg19) VCF-style: chrX-74289287-G-C.
Other names: c.1248C>G, p.Asp416Glu (NM_001271697.3); c.1290C>G, p.Asp430Glu (NM_001271698.3); c.1251C>G, p.Asp417Glu (NM_001271699.3); c.1371C>G, p.Asp457Glu (NM_004299.6); short protein forms D417E, D430E, D457E, D416E, D456E.
Identifiers: ClinVar variation 2850238 (VCV002850238.3), dbSNP rs776840777, ClinGen allele CA10455394.
Genomic context (GRCh38, chrX:75,069,452, plus strand): 5'-ATTATCAAAGGCCACGGTAGCTGTCTGTGGTGTGATCTGAAGGGGAGATGCCATCACTTT[G>C]TCCTAGCAGGGAAGAGAAAAAAAAAGCCACTTTACGCACTGCCTAGAGTACAGCTACGAA-3'
Protein context (NP_001258625.1, residues 446-466): TLLKVDTQIK[Asp456Glu]KVMASPLQIT

ClinVar aggregate classification (germline): Uncertain significance (1 of 4 stars; one submission).

Allele frequency attached by ClinVar (database versions not stated): gnomAD 0.00001; gnomAD exomes below 0.00001; ExAC 0.00001; TOPMed 0.00002.
gnomAD v4.1: 2 of 1,206,963 alleles (0.00017%); highest among the groups gnomAD compares: African/African-American, 0.0035%; no homozygotes.

Submission:

Labcorp Genetics (formerly Invitae), Labcorp
Classification: Uncertain significance. Last evaluated: 2025-02-06. Review status: criteria provided, single submitter. Criteria: Invitae Variant Classification Sherloc (09022015). Collection method: clinical testing. Allele origin: germline.
Comment: This sequence change replaces aspartic acid, which is acidic and polar, with glutamic acid, which is acidic and polar, at codon 457 of the ABCB7 protein (p.Asp457Glu). This variant is present in population databases (rs776840777, gnomAD 0.02%), including at least one homozygous and/or hemizygous individual. This variant has not been reported in the literature in individuals affected with ABCB7-related conditions. ClinVar contains an entry for this variant (Variation ID: 2850238). An algorithm developed to predict the effect of missense changes on protein structure and function (PolyPhen-2) suggests that this variant is likely to be tolerated. In summary, the available evidence is currently insufficient to determine the role of this variant in disease. Therefore, it has been classified as a Variant of Uncertain Significance.